The following is an entry in ClinVar:

NM_138387.4(G6PC3):c.953C>G (p.Thr318Ser)

Gene: G6PC3 (glucose-6-phosphatase catalytic subunit 3; plus strand). Cytogenetic location: 17q21.31.
Variant type: single nucleotide variant.
Coding change: c.953C>G on transcript NM_138387.4 (MANE Select); coding-DNA position 953, C replaced by G.
Protein change: p.Thr318Ser; replaces threonine 318 with serine.
Molecular consequence: missense variant. On other transcripts: 3 prime UTR variant (1).
Genome position (GRCh38, 1-based): chr17:44,075,955, C>G. VCF-style: chr17-44075955-C-G. GRCh37 (hg19) VCF-style: chr17-42153323-C-G.
Other names: c.*246C>G (NM_001319945.2); c.608C>G, p.Thr203Ser (NM_001384165.1, NM_001384166.1, NM_001384167.1 and 1 more transcripts); short protein forms T203S, T318S.
Identifiers: ClinVar variation 3852325 (VCV003852325.1).

ClinVar aggregate classification (germline): Uncertain significance (1 of 4 stars; one submission).

Conditions:
Inborn genetic diseases. Identifiers: MedGen C0950123, MeSH D030342.

Submission:

Ambry Genetics
Classification: Uncertain significance for Inborn genetic diseases. Last evaluated: 2024-12-15. Review status: criteria provided, single submitter. Criteria: Ambry Variant Classification Scheme 2023. Collection method: clinical testing. Allele origin: germline.
Comment: The p.T318S variant (also known as c.953C>G), located in coding exon 6 of the G6PC3 gene, results from a C to G substitution at nucleotide position 953. The threonine at codon 318 is replaced by serine, an amino acid with similar properties. This amino acid position is conserved. In addition, this alteration is predicted to be tolerated by in silico analysis. Based on the available evidence, the clinical significance of this variant remains unclear.